The following is an entry in ClinVar:

NM_004646.4(NPHS1):c.3286+1_3286+6del

Gene: NPHS1 (NPHS1 adhesion molecule, nephrin; minus strand). Cytogenetic location: 19q13.12.
Variant type: Deletion.
Coding change: c.3286+1_3286+6del on transcript NM_004646.4 (MANE Select); the canonical splice donor site of the intron after coding-DNA position 3286 through 6 bases into the intron after coding-DNA position 3286, 6 bases deleted (GTGAGG; older notation c.3286+1_3286+6delGTGAGG).
Molecular consequence: splice donor variant.
Genome position (GRCh38, 1-based): chr19:35,831,637-35,831,642, CCTCAC deleted on the plus strand (GTGAGG on the coding strand, the reverse complement: NPHS1 is on the minus strand); deleting any 6 consecutive bases within chr19:35,831,637-35,831,647 gives the same sequence; the c. name uses the placement nearest the transcript's 3' end. VCF-style (leftmost placement, unchanged base first): chr19-35831636-TCCTCAC-T. GRCh37 (hg19) VCF-style: chr19-36322538-TCCTCAC-T.
Identifiers: ClinVar variation 4294498 (VCV004294498.1).

ClinVar aggregate classification (germline): Likely pathogenic (1 of 4 stars; one submission).

Conditions:
Finnish congenital nephrotic syndrome (NPHS1). Also called: NEPHROTIC SYNDROME, TYPE 1. Identifiers: Orphanet 839, MedGen C0403399, MONDO:0009732, OMIM 256300.

Submission:

Molecular Genetics Department, Kulakov National Medical Research Center for Obstetrics, Gynecology and Perinatology
Classification: Likely pathogenic for Finnish congenital nephrotic syndrome. Review status: criteria provided, single submitter. Criteria: ACMG Guidelines, 2015. Collection method: clinical testing. Allele origin: germline. Affected: yes. Observed: 1 variant allele.
Comment: A previously undescribed heterozygous nucleotide variant creates an alteration of the canonical splice site c.3286+1_3286+6del in the NPHS1 gene (rs1489415102). Homozygous and compound heterozygous variants are reported in patients with nephrotic syndrome, type 1, 256300. The variant frequency in population database gnomAD is 0.00025%. In summary, the currently available evidence indicates that the variant is pathogenic, but additional data are needed to prove that conclusively. Therefore, this variant has been classified as likely pathogenic.